The following is an entry in ClinVar:

NM_001365951.3(KIF1B):c.3742A>G (p.Ser1248Gly)

Gene: KIF1B (kinesin family member 1B; plus strand). Cytogenetic location: 1p36.22.
Variant type: single nucleotide variant.
Coding change: c.3742A>G on transcript NM_001365951.3 (MANE Select); coding-DNA position 3742, A replaced by G.
Protein change: p.Ser1248Gly; replaces serine 1248 with glycine.
Molecular consequence: missense variant.
Genome position (GRCh38, 1-based): chr1:10,345,898, A>G. VCF-style: chr1-10345898-A-G. GRCh37 (hg19) VCF-style: chr1-10405956-A-G.
Other names: c.3742A>G, p.Ser1248Gly (NM_001365952.1); c.3604A>G, p.Ser1202Gly (NM_015074.3); short protein forms S1202G, S1248G.
Identifiers: ClinVar variation 2497126 (VCV002497126.2), dbSNP rs1225250002, ClinGen allele CA338342435.

ClinVar aggregate classification (germline): Uncertain significance (1 of 4 stars; one submission).

Submission:

Ambry Genetics
Classification: Uncertain significance. Last evaluated: 2022-11-15. Review status: criteria provided, single submitter. Criteria: Ambry Variant Classification Scheme 2023. Collection method: clinical testing. Allele origin: germline.
Comment: The p.S1202G variant (also known as c.3604A>G), located in coding exon 32 of the KIF1B gene, results from an A to G substitution at nucleotide position 3604. The serine at codon 1202 is replaced by glycine, an amino acid with similar properties. This amino acid position is conserved. In addition, this alteration is predicted to be tolerated by in silico analysis. Since supporting evidence is limited at this time, the clinical significance of this alteration remains unclear.